The following is an entry in ClinVar:

NM_019616.4(F7):c.64G>A (p.Val22Ile)

Gene: F7 (coagulation factor VII; plus strand). Cytogenetic location: 13q34.
Variant type: single nucleotide variant.
Coding change: c.64G>A on transcript NM_019616.4 (MANE Select); coding-DNA position 64, G replaced by A.
Protein change: p.Val22Ile; replaces valine 22 with isoleucine.
Molecular consequence: missense variant. On other transcripts: non-coding transcript variant (1).
Genome position (GRCh38, 1-based): chr13:113,105,905, G>A. VCF-style: chr13-113105905-G-A. GRCh37 (hg19) VCF-style: chr13-113760219-G-A.
Other names: p.Gly22Ser; c.64G>A, p.Gly22Ser (NM_000131.5); c.64G>A, p.Asp22Asn (NM_001267554.2); short protein forms D22N, G22S, V22I.
Identifiers: ClinVar variation 3382510 (VCV003382510.4).

ClinVar aggregate classification (germline): Pathogenic/Likely pathogenic. Review status: criteria provided, multiple submitters, no conflicts (2 of 4 stars). 3 submissions from 3 submitters: Pathogenic (1); Likely pathogenic (2). Last evaluated 2025-03-12.

Conditions:
Congenital factor VII deficiency. Identifiers: Orphanet 327, MedGen C0272320, MONDO:0009211, OMIM 227500.
Myocardial infarction, susceptibility to. Identifiers: MedGen C1832662, MONDO:0012039, OMIM 608446.

gnomAD v4.1: 7 of 1,585,266 alleles (0.00044%); highest among the groups gnomAD compares: East Asian, 0.0068%; no homozygotes.

Submissions (3):

Mayo Clinic Laboratories, Mayo Clinic
Classification: Pathogenic. Last evaluated: 2025-03-12. Review status: criteria provided, single submitter. Criteria: ACMG Guidelines, 2015. Collection method: clinical testing. Allele origin: germline. Observed: 1 variant allele.
Comment: PM2_supporting, PM3_strong, PS4_very_strong

MVZ Martinsried, Medicover Genetics
Classification: Likely pathogenic for Congenital factor VII deficiency. Last evaluated: 2024-05-27. Review status: criteria provided, single submitter. Criteria: ACGS Guidelines, 2020. Collection method: clinical testing. Allele origin: unknown. Affected: yes.

Juno Genomics, Hangzhou Juno Genomics, Inc
Classification: Likely pathogenic for Myocardial infarction, susceptibility to; Congenital factor VII deficiency. Review status: criteria provided, single submitter. Criteria: ACMG Guidelines, 2015. Collection method: clinical testing. Allele origin: germline. Affected: yes.
Comment: Absent from controls (or at extremely low frequency if recessive) in Genome Aggregation Database, Exome Sequencing Project, 1000 Genomes Project, or Exome Aggregation Consortium.;Multiple lines of computational evidence support a deleterious effect on the gene or gene product (conservation, evolutionary, splicing impact, etc).;For recessive disorders, detected in trans with a pathogenic variant.;Patient's phenotype or family history is highly specific for a disease with a single genetic etiology.

Literature cited by the submitters: PubMed 10862079 (cited by Mayo Clinic Laboratories, Mayo Clinic); PubMed 11139238 (cited by Mayo Clinic Laboratories, Mayo Clinic); PubMed 21206266 (cited by Mayo Clinic Laboratories, Mayo Clinic); PubMed 29876229 (cited by Mayo Clinic Laboratories, Mayo Clinic); PubMed 34342048 (cited by Mayo Clinic Laboratories, Mayo Clinic); PubMed 35867939 (cited by Mayo Clinic Laboratories, Mayo Clinic); PubMed 36572978 (cited by Mayo Clinic Laboratories, Mayo Clinic); PubMed 36760778 (cited by Mayo Clinic Laboratories, Mayo Clinic); PubMed 38335567 (cited by Mayo Clinic Laboratories, Mayo Clinic).